The following is an entry in ClinVar:

NM_007194.4(CHEK2):c.809T>A (p.Val270Asp)

Gene: CHEK2 (checkpoint kinase 2; minus strand). Cytogenetic location: 22q12.1.
Variant type: single nucleotide variant.
Coding change: c.809T>A on transcript NM_007194.4 (MANE Select); coding-DNA position 809, T replaced by A.
Protein change: p.Val270Asp; replaces valine 270 with aspartic acid.
Molecular consequence: missense variant.
Genome position (GRCh38, 1-based): chr22:28,710,043, A>T on the plus strand (T>A on the coding strand, the complement: CHEK2 is on the minus strand). VCF-style: chr22-28710043-A-T. GRCh37 (hg19) VCF-style: chr22-29106031-A-T.
Other names: c.938T>A, p.Val313Asp (NM_001005735.3); c.146T>A, p.Val49Asp (NM_001257387.3); c.608T>A, p.Val203Asp (NM_001349956.3); c.809T>A, p.Val270Asp (NM_145862.3); short protein forms V270D, V49D, V203D, V313D.
Identifiers: ClinVar variation 233202 (VCV000233202.5), dbSNP rs876660258, ClinGen allele CA10581075.
Genomic context (GRCh38, chr22:28,710,043, plus strand): 5'-ATGAGTCATATAATAATACTTACATGATTTAGCTTTTTCAAAATTTCTATTTCTGTTTCA[A>T]CATTGAGAGCTGGGTCCTTTGATAAACAGAATAACAGAGTTTATTAGTAATAATAATTGC-3'
Protein context (NP_009125.1, residues 260-280): SAREADPALN[Val270Asp]ETEIEILKKL

ClinVar aggregate classification (germline): Uncertain significance (1 of 4 stars; one submission).

Conditions:
Hereditary cancer-predisposing syndrome. Also called: Neoplastic Syndromes, Hereditary; Tumor predisposition; Hereditary Cancer Syndrome; Hereditary neoplastic syndrome. Identifiers: Orphanet 140162, MedGen C0027672, MeSH D009386, MONDO:0015356.

Submission:

Ambry Genetics
Classification: Uncertain significance for Hereditary cancer-predisposing syndrome. Last evaluated: 2015-07-31. Review status: criteria provided, single submitter. Criteria: Ambry Variant Classification Scheme 2023. Collection method: clinical testing. Allele origin: germline.
Comment: The p.V270D variant (also known as c.809T>A), located in coding exon 6 of the CHEK2 gene, results from a T to A substitution at nucleotide position 809. The valine at codon 270 is replaced by aspartic acid, an amino acid with highly dissimilar properties. This variant was not reported in population based cohorts in the following databases: Database of Single Nucleotide Polymorphisms (dbSNP), NHLBI Exome Sequencing Project (ESP), and 1000 Genomes Project. In the ESP, this variant was not observed in 6487 samples (12974 alleles) with coverage at this position. To date, this alteration has been detected with an allele frequency of approximately 0.001% (greater than 72000 alleles tested) in our clinical cohort. This amino acid position is highly conserved in available vertebrate species. In addition, this alteration is predicted to be deleterious by in silico analysis. Since supporting evidence is limited at this time, the clinical significance of p.V270D remains unclear.